The following is an entry in ClinVar:

NM_022098.4(XPNPEP3):c.1244G>A (p.Arg415Gln)

Gene: XPNPEP3 (X-prolyl aminopeptidase 3; plus strand). Cytogenetic location: 22q13.2.
Variant type: single nucleotide variant.
Coding change: c.1244G>A on transcript NM_022098.4 (MANE Select); coding-DNA position 1244, G replaced by A.
Protein change: p.Arg415Gln; replaces arginine 415 with glutamine.
Molecular consequence: missense variant.
Genome position (GRCh38, 1-based): chr22:40,924,369, G>A. VCF-style: chr22-40924369-G-A. GRCh37 (hg19) VCF-style: chr22-41320373-G-A.
Other names: short protein forms R415Q.
Identifiers: ClinVar variation 199163 (VCV000199163.15), dbSNP rs79385822, ClinGen allele CA248213.

ClinVar aggregate classification (germline): Uncertain significance. Review status: criteria provided, multiple submitters, no conflicts (2 of 4 stars). 5 submissions from 5 submitters: Uncertain significance (5). Last evaluated 2024-01-22.

Conditions:
Nephronophthisis-like nephropathy 1 (NPHPL1). Identifiers: Orphanet 655, MedGen C3150419, MONDO:0013163, OMIM 613159.

Allele frequency attached by ClinVar (database versions not stated): 1000 Genomes Project 30x 0.00016; 1000 Genomes Project 0.00020; gnomAD 0.00051; ExAC 0.00071; gnomAD exomes 0.00075 and 0.00087; ESP Exome Variant Server 0.00085; TOPMed 0.00085.
gnomAD v4.1: 1,384 of 1,614,044 alleles (0.086%); highest among the groups gnomAD compares: Non-Finnish European, 0.11%; 2 homozygotes.

Submissions (5):

Labcorp Genetics (formerly Invitae), Labcorp
Classification: Uncertain significance for Nephronophthisis-like nephropathy 1. Last evaluated: 2024-01-22. Review status: criteria provided, single submitter. Criteria: Invitae Variant Classification Sherloc (09022015). Collection method: clinical testing. Allele origin: germline.
Comment: This sequence change replaces arginine, which is basic and polar, with glutamine, which is neutral and polar, at codon 415 of the XPNPEP3 protein (p.Arg415Gln). This variant is present in population databases (rs79385822, gnomAD 0.1%), and has an allele count higher than expected for a pathogenic variant. This variant has not been reported in the literature in individuals affected with XPNPEP3-related conditions. ClinVar contains an entry for this variant (Variation ID: 199163). Advanced modeling of protein sequence and biophysical properties (such as structural, functional, and spatial information, amino acid conservation, physicochemical variation, residue mobility, and thermodynamic stability) performed at Invitae indicates that this missense variant is not expected to disrupt XPNPEP3 protein function with a negative predictive value of 80%. In summary, the available evidence is currently insufficient to determine the role of this variant in disease. Therefore, it has been classified as a Variant of Uncertain Significance.

Fulgent Genetics
Classification: Uncertain significance for Nephronophthisis-like nephropathy 1. Last evaluated: 2022-05-05. Review status: criteria provided, single submitter. Criteria: ACMG Guidelines, 2015. Collection method: clinical testing. Allele origin: unknown.

Illumina Laboratory Services, Illumina
Classification: Uncertain significance for Nephronophthisis-like nephropathy 1. Last evaluated: 2018-01-13. Review status: criteria provided, single submitter. Criteria: ICSL Variant Classification Criteria 13 December 2019. Collection method: clinical testing. Allele origin: germline.

Eurofins Ntd Llc (ga)
Classification: Uncertain significance. Last evaluated: 2014-05-12. Review status: criteria provided, single submitter. Criteria: EGL Classification Definitions 2015. Collection method: clinical testing. Allele origin: germline. Observed: 1 variant allele, 1 heterozygote.

Breakthrough Genomics
Classification: Uncertain significance. Review status: criteria provided, single submitter. Criteria: ACMG Guidelines, 2015. Collection method: not provided. Allele origin: germline. Inheritance: Autosomal dominant inheritance. Affected: yes.